The following is an entry in ClinVar:

ClinVar aggregate classification (germline): Uncertain significance (1 of 4 stars; one submission).

Conditions:
GLI3-related disorder. Also called: GLI3-related condition; GLI3-related disorders. Identifiers: MedGen CN239292.

Allele frequency attached by ClinVar (database versions not stated): gnomAD 0.00001; TOPMed 0.00002.
gnomAD v4.1: 4 of 1,613,112 alleles (0.00025%); highest among the groups gnomAD compares: African/African-American, 0.004%; no homozygotes.

Submission:

PreventionGenetics, part of Exact Sciences
Classification: Uncertain significance for GLI3-related condition. Last evaluated: 2023-05-22. Review status: criteria provided, single submitter. Criteria: ACMG Guidelines, 2015. Collection method: clinical testing. Allele origin: germline.
Comment: The GLI3 c.3706G>A variant is predicted to result in the amino acid substitution p.Gly1236Arg. To our knowledge, this variant has not been reported in the literature. This variant is reported in 0.0062% of alleles in individuals of African descent in gnomAD. At this time, the clinical significance of this variant is uncertain due to the absence of conclusive functional and genetic evidence.

NM_000168.6(GLI3):c.3706G>A (p.Gly1236Arg)

Gene: GLI3 (GLI family zinc finger 3; minus strand). Cytogenetic location: 7p14.1.
Variant type: single nucleotide variant.
Coding change: c.3706G>A on transcript NM_000168.6 (MANE Select); coding-DNA position 3706, G replaced by A.
Protein change: p.Gly1236Arg; replaces glycine 1236 with arginine.
Molecular consequence: missense variant.
Genome position (GRCh38, 1-based): chr7:41,965,367, C>T on the plus strand (G>A on the coding strand, the complement: GLI3 is on the minus strand). VCF-style: chr7-41965367-C-T. GRCh37 (hg19) VCF-style: chr7-42004965-C-T.
Other names: short protein forms G1236R.
Identifiers: ClinVar variation 2633339 (VCV002633339.1), dbSNP rs1021772969, ClinGen allele CA156903475.